The following is an entry in ClinVar:

NM_001395159.1(UNC79):c.7774A>G (p.Ile2592Val)

Gene: UNC79 (unc-79 subunit of NALCN channel complex; plus strand). Cytogenetic location: 14q32.12.
Variant type: single nucleotide variant.
Coding change: c.7774A>G on transcript NM_001395159.1 (MANE Select); coding-DNA position 7774, A replaced by G.
Protein change: p.Ile2592Val; replaces isoleucine 2592 with valine.
Molecular consequence: missense variant.
Genome position (GRCh38, 1-based): chr14:93,691,917, A>G. VCF-style: chr14-93691917-A-G. GRCh37 (hg19) VCF-style: chr14-94158263-A-G.
Other names: c.7708A>G, p.Ile2570Val (NM_001346218.2); c.7027A>G, p.Ile2343Val (NM_020818.5); short protein forms I2343V, I2570V, I2592V.
Identifiers: ClinVar variation 5037010 (VCV005037010.1).

ClinVar aggregate classification (germline): Uncertain significance (1 of 4 stars; one submission).

gnomAD v4.1: 1 of 1,614,212 alleles (0.000062%); highest among the groups gnomAD compares: Non-Finnish European, 0.000085%; no homozygotes.

Submission:

GeneDx
Classification: Uncertain significance. Last evaluated: 2026-04-12. Review status: criteria provided, single submitter. Criteria: GeneDx Variant Classification Process June 2021. Collection method: clinical testing. Allele origin: germline.
Comment: Not observed at significant frequency in large population cohorts (gnomAD); In silico analysis suggests that this missense variant does not alter protein structure/function; Has not been previously published as pathogenic or benign to our knowledge.